The following is an entry in ClinVar:

NM_032043.3(BRIP1):c.474G>T (p.Lys158Asn)

Gene: BRIP1 (BRCA1 interacting DNA helicase 1; minus strand). Cytogenetic location: 17q23.2.
Variant type: single nucleotide variant.
Coding change: c.474G>T on transcript NM_032043.3 (MANE Select); coding-DNA position 474, G replaced by T.
Protein change: p.Lys158Asn; replaces lysine 158 with asparagine.
Molecular consequence: missense variant.
Genome position (GRCh38, 1-based): chr17:61,849,162, C>A on the plus strand (G>T on the coding strand, the complement: BRIP1 is on the minus strand). VCF-style: chr17-61849162-C-A. GRCh37 (hg19) VCF-style: chr17-59926523-C-A.
Other names: short protein forms K158N.
Identifiers: ClinVar variation 825142 (VCV000825142.4), dbSNP rs1603362578, ClinGen allele CA400484411.
Genomic context (GRCh38, chr17:61,849,162, plus strand): 5'-TATTTACTGCCAATAAACTCTGTTTACCTGCTGTGTAGTTTCTAAGGGTCGAATTCTTTT[C>A]TTCTCTACTTGAAAATCATCATTTTCATCTCTGTATATGGATGCCTGTTTCTTAGCAGAT-3'
Protein context (NP_114432.2, residues 148-168): RDENDDFQVE[Lys158Asn]KRIRPLETTQ

ClinVar aggregate classification (germline): Uncertain significance (1 of 4 stars; one submission).

Conditions:
Hereditary cancer-predisposing syndrome. Also called: Neoplastic Syndromes, Hereditary; Tumor predisposition; Hereditary neoplastic syndrome; Hereditary Cancer Syndrome. Identifiers: Orphanet 140162, MedGen C0027672, MeSH D009386, MONDO:0015356.

Allele frequency attached by ClinVar (database versions not stated): gnomAD exomes below 0.00001.
gnomAD v4.1: 1 of 1,613,496 alleles (0.000062%); highest among the groups gnomAD compares: Non-Finnish European, 0.000085%; no homozygotes.

Submission:

Ambry Genetics
Classification: Uncertain significance for Hereditary cancer-predisposing syndrome. Last evaluated: 2018-11-16. Review status: criteria provided, single submitter. Criteria: Ambry Variant Classification Scheme 2023. Collection method: clinical testing. Allele origin: germline.
Comment: The p.K158N variant (also known as c.474G>T), located in coding exon 4 of the BRIP1 gene, results from a G to T substitution at nucleotide position 474. The lysine at codon 158 is replaced by asparagine, an amino acid with similar properties. This amino acid position is well conserved in available vertebrate species. In addition, this alteration is predicted to be tolerated by in silico analysis. Since supporting evidence is limited at this time, the clinical significance of this alteration remains unclear.